The following is an entry in ClinVar:

NM_004006.3(DMD):c.1680A>T (p.Lys560Asn)

Gene: DMD (dystrophin; minus strand). Cytogenetic location: Xp21.1.
Variant type: single nucleotide variant.
Coding change: c.1680A>T on transcript NM_004006.3 (MANE Select); coding-DNA position 1680, A replaced by T.
Protein change: p.Lys560Asn; replaces lysine 560 with asparagine.
Molecular consequence: missense variant.
Genome position (GRCh38, 1-based): chrX:32,573,769, T>A on the plus strand (A>T on the coding strand, the complement: DMD is on the minus strand). VCF-style: chrX-32573769-T-A. GRCh37 (hg19) VCF-style: chrX-32591886-T-A.
Other names: c.1656A>T, p.Lys552Asn (NM_000109.4); c.1668A>T, p.Lys556Asn (NM_004009.3); c.1311A>T, p.Lys437Asn (NM_004010.3); short protein forms K437N, K552N, K556N, K560N.
Identifiers: ClinVar variation 4800984 (VCV004800984.1).

ClinVar aggregate classification (germline): Uncertain significance (1 of 4 stars; one submission).

Conditions:
Duchenne muscular dystrophy (DMD). Also called: Duchenne Muscular Dystrophy (DMD); MUSCULAR DYSTROPHY, PSEUDOHYPERTROPHIC PROGRESSIVE, DUCHENNE TYPE. Identifiers: Orphanet 98896, MedGen C0013264, MONDO:0010679, OMIM 310200.

Submission:

Labcorp Genetics (formerly Invitae), Labcorp
Classification: Uncertain significance for Duchenne muscular dystrophy. Last evaluated: 2026-01-20. Review status: criteria provided, single submitter. Criteria: Invitae Variant Classification Sherloc (09022015). Collection method: clinical testing. Allele origin: germline.
Comment: This sequence change replaces lysine, which is basic and polar, with asparagine, which is neutral and polar, at codon 560 of the DMD protein (p.Lys560Asn). This variant is not present in population databases (gnomAD no frequency). This variant has not been reported in the literature in individuals affected with DMD-related conditions. Invitae Evidence Modeling of protein sequence and biophysical properties (such as structural, functional, and spatial information, amino acid conservation, physicochemical variation, residue mobility, and thermodynamic stability) indicates that this missense variant is not expected to disrupt DMD protein function with a negative predictive value of 95%. In summary, the available evidence is currently insufficient to determine the role of this variant in disease. Therefore, it has been classified as a Variant of Uncertain Significance.